The following is an entry in ClinVar:

ClinVar aggregate classification (germline): Uncertain significance. Review status: criteria provided, multiple submitters, no conflicts (2 of 4 stars). 2 submissions from 2 submitters: Uncertain significance (2). Last evaluated 2024-07-02.

Conditions:
Inborn genetic diseases. Identifiers: MedGen C0950123, MeSH D030342.

Allele frequency attached by ClinVar (database versions not stated): gnomAD 0.00001; TOPMed 0.00001; gnomAD exomes 0.00003; ExAC 0.00007.
gnomAD v4.1: 47 of 1,613,904 alleles (0.0029%); highest among the groups gnomAD compares: South Asian, 0.025%; no homozygotes.

Submissions (2):

Ambry Genetics
Classification: Uncertain significance for Inborn genetic diseases. Last evaluated: 2024-07-02. Review status: criteria provided, single submitter. Criteria: Ambry Variant Classification Scheme 2023. Collection method: clinical testing. Allele origin: germline.

Labcorp Genetics (formerly Invitae), Labcorp
Classification: Uncertain significance. Last evaluated: 2023-12-25. Review status: criteria provided, single submitter. Criteria: Invitae Variant Classification Sherloc (09022015). Collection method: clinical testing. Allele origin: germline.
Comment: This sequence change replaces proline, which is neutral and non-polar, with serine, which is neutral and polar, at codon 79 of the COL10A1 protein (p.Pro79Ser). This variant is present in population databases (rs757856587, gnomAD 0.05%). This variant has not been reported in the literature in individuals affected with COL10A1-related conditions. ClinVar contains an entry for this variant (Variation ID: 2270059). Advanced modeling of protein sequence and biophysical properties (such as structural, functional, and spatial information, amino acid conservation, physicochemical variation, residue mobility, and thermodynamic stability) has been performed at Invitae for this missense variant, however the output from this modeling did not meet the statistical confidence thresholds required to predict the impact of this variant on COL10A1 protein function. In summary, the available evidence is currently insufficient to determine the role of this variant in disease. Therefore, it has been classified as a Variant of Uncertain Significance.

NM_000493.4(COL10A1):c.235C>T (p.Pro79Ser)

Genes: COL10A1 (collagen type X alpha 1 chain; minus strand), NT5DC1 (5'-nucleotidase domain containing 1; plus strand). Cytogenetic location: 6q22.1.
Variant type: single nucleotide variant.
Coding change: c.235C>T on transcript NM_000493.4 (MANE Select); coding-DNA position 235, C replaced by T.
Protein change: p.Pro79Ser; replaces proline 79 with serine.
Molecular consequence: missense variant. On other transcripts: intron variant (1).
Genome position (GRCh38, 1-based): chr6:116,121,881, G>A on the plus strand (C>T on the coding strand, the complement: COL10A1 is on the minus strand). VCF-style: chr6-116121881-G-A. GRCh37 (hg19) VCF-style: chr6-116443044-G-A.
Other names: c.235C>T, p.Pro79Ser (NM_001424106.1, NM_001424107.1); c.529+3936G>A (NM_152729.3); short protein forms P79S.
Identifiers: ClinVar variation 2270059 (VCV002270059.6), dbSNP rs757856587, ClinGen allele CA3968449.
Genomic context (GRCh38, chr6:116,121,881, plus strand): 5'-GTCCTGGCAACCCTGGCTCTCCTTGGAGTCCAGGACTTCCGTAGCCTGGTTTTCCTGGTG[G>A]TCCAGAAGGACCTGGGTGCCCTCGAGGTCCAGCAGGGCCTGGTGGACCAGGAGTACCTTG-3'
Protein context (NP_000484.2, residues 69-89): GPRGHPGPSG[Pro79Ser]PGKPGYGSPG